The following is an entry in ClinVar:

NM_006231.4(POLE):c.6209T>C (p.Ile2070Thr)

Gene: POLE (DNA polymerase epsilon, catalytic subunit; minus strand). Cytogenetic location: 12q24.33.
Variant type: single nucleotide variant.
Coding change: c.6209T>C on transcript NM_006231.4 (MANE Select); coding-DNA position 6209, T replaced by C.
Protein change: p.Ile2070Thr; replaces isoleucine 2070 with threonine.
Molecular consequence: missense variant.
Genome position (GRCh38, 1-based): chr12:132,632,436, A>G on the plus strand (T>C on the coding strand, the complement: POLE is on the minus strand). VCF-style: chr12-132632436-A-G. GRCh37 (hg19) VCF-style: chr12-133209022-A-G.
Other names: c.6209T>C (NM_006231.2); short protein forms I2070T.
Identifiers: ClinVar variation 2188753 (VCV002188753.5), dbSNP rs2541854288, ClinGen allele CA387369706.

ClinVar aggregate classification (germline): Uncertain significance. Review status: criteria provided, multiple submitters, no conflicts (2 of 4 stars). 2 submissions from 2 submitters: Uncertain significance (2). Last evaluated 2025-04-09.

Conditions:
Hereditary cancer-predisposing syndrome. Also called: Hereditary Cancer Syndrome; Tumor predisposition; Hereditary neoplastic syndrome; Neoplastic Syndromes, Hereditary. Identifiers: Orphanet 140162, MedGen C0027672, MeSH D009386, MONDO:0015356.

Submissions (2):

Ambry Genetics
Classification: Uncertain significance for Hereditary cancer-predisposing syndrome. Last evaluated: 2025-04-09. Review status: criteria provided, single submitter. Criteria: Ambry Variant Classification Scheme 2023. Collection method: clinical testing. Allele origin: germline.
Comment: The p.I2070T variant (also known as c.6209T>C), located in coding exon 45 of the POLE gene, results from a T to C substitution at nucleotide position 6209. The isoleucine at codon 2070 is replaced by threonine, an amino acid with similar properties. This amino acid position is conserved. In addition, the in silico prediction for this alteration is inconclusive. Based on the available evidence, the clinical significance of this variant remains unclear.

Labcorp Genetics (formerly Invitae), Labcorp
Classification: Uncertain significance. Last evaluated: 2022-10-17. Review status: criteria provided, single submitter. Criteria: Invitae Variant Classification Sherloc (09022015). Collection method: clinical testing. Allele origin: germline.
Comment: In summary, the available evidence is currently insufficient to determine the role of this variant in disease. Therefore, it has been classified as a Variant of Uncertain Significance. Advanced modeling of protein sequence and biophysical properties (such as structural, functional, and spatial information, amino acid conservation, physicochemical variation, residue mobility, and thermodynamic stability) performed at Invitae indicates that this missense variant is not expected to disrupt POLE protein function. This variant has not been reported in the literature in individuals affected with POLE-related conditions. This variant is not present in population databases (gnomAD no frequency). This sequence change replaces isoleucine, which is neutral and non-polar, with threonine, which is neutral and polar, at codon 2070 of the POLE protein (p.Ile2070Thr).